The following is an entry in ClinVar:

NM_020780.2(DISP3):c.2958C>T (p.Phe986=)

Gene: DISP3 (dispatched RND transporter family member 3; plus strand). Cytogenetic location: 1p36.22.
Variant type: single nucleotide variant.
Coding change: c.2958C>T on transcript NM_020780.2 (MANE Select); coding-DNA position 2958, C replaced by T.
Protein change: p.Phe986=; no amino-acid change (phenylalanine 986 retained).
Molecular consequence: synonymous variant.
Genome position (GRCh38, 1-based): chr1:11,529,815, C>T. VCF-style: chr1-11529815-C-T. GRCh37 (hg19) VCF-style: chr1-11589872-C-T.
Identifiers: ClinVar variation 3033998 (VCV003033998.2), dbSNP rs77546140, ClinGen allele CA592180.
Genomic context (GRCh38, chr1:11,529,815, plus strand): 5'-CTTCCCTTACAGCTGTGACTCCCTGTTCGCAGTGCCCAAGGCCCGTCTCTCAGCCACCTT[C>T]GGCTTCAACCCCTGCGTGAACACGGGCTGCGGGAAGCCGGCGGTGCGGCCACTAGTGGAT-3'
Protein context (NP_065831.1, residues 976-996): KVPKARLSAT[Phe986=]GFNPCVNTGC

ClinVar aggregate classification (germline): Benign (0 of 4 stars; one submission).

Conditions:
DISP3-related disorder. Also called: DISP3-related condition.

Allele frequency attached by ClinVar (database versions not stated): ExAC 0.00193; gnomAD 0.00623; TOPMed 0.00695; ESP Exome Variant Server 0.00751; 1000 Genomes Project 0.00799; 1000 Genomes Project 30x 0.00859.

Submission:

PreventionGenetics, part of Exact Sciences
Classification: Benign for DISP3-related condition. Last evaluated: 2019-03-04. Review status: no assertion criteria provided. Collection method: clinical testing. Allele origin: germline.
Comment: This variant is classified as benign based on ACMG/AMP sequence variant interpretation guidelines (Richards et al. 2015 PMID: 25741868, with internal and published modifications).